The following is an entry in ClinVar:

NM_000111.3(SLC26A3):c.1414del (p.Trp472fs)

Gene: SLC26A3 (solute carrier family 26 member 3; minus strand). Cytogenetic location: 7q22.3.
Variant type: Deletion.
Coding change: c.1414del on transcript NM_000111.3 (MANE Select); coding-DNA position 1414, one base deleted (T; older notation c.1414delT).
Protein change: p.Trp472fs; shifts the reading frame from tryptophan 472.
Molecular consequence: frameshift variant.
Genome position (GRCh38, 1-based): chr7:107,778,275, A deleted on the plus strand (T on the coding strand, the reverse complement: SLC26A3 is on the minus strand); the first of 3 consecutive A bases (chr7:107,778,275-107,778,277); deleting any one gives the same sequence. VCF-style (leftmost placement, unchanged base first): chr7-107778274-CA-C. GRCh37 (hg19) VCF-style: chr7-107418719-CA-C.
Other names: short protein forms W472fs.
Identifiers: ClinVar variation 1074649 (VCV001074649.7), dbSNP rs2115827317, ClinGen allele CA2499218646.

ClinVar aggregate classification (germline): Pathogenic (1 of 4 stars; one submission).

Submission:

Labcorp Genetics (formerly Invitae), Labcorp
Classification: Pathogenic. Last evaluated: 2026-01-11. Review status: criteria provided, single submitter. Criteria: Invitae Variant Classification Sherloc (09022015). Collection method: clinical testing. Allele origin: germline.
Comment: This sequence change creates a premature translational stop signal (p.Trp472Glyfs*3) in the SLC26A3 gene. It is expected to result in an absent or disrupted protein product. Loss-of-function variants in SLC26A3 are known to be pathogenic (PMID: 9718329, 21394828). This variant is not present in population databases (gnomAD no frequency). This variant has not been reported in the literature in individuals affected with SLC26A3-related conditions. ClinVar contains an entry for this variant (Variation ID: 1074649). For these reasons, this variant has been classified as Pathogenic.

Literature cited by the submitters: PubMed 9718329; PubMed 21394828.